The following is an entry in ClinVar:

ClinVar aggregate classification (germline): Uncertain significance. Review status: criteria provided, multiple submitters, no conflicts (2 of 4 stars). 2 submissions from 2 submitters: Uncertain significance (2). Last evaluated 2025-11-02.

Conditions:
Hereditary cancer-predisposing syndrome. Also called: Tumor predisposition; Hereditary neoplastic syndrome; Hereditary Cancer Syndrome; Neoplastic Syndromes, Hereditary. Identifiers: Orphanet 140162, MedGen C0027672, MeSH D009386, MONDO:0015356.

Submissions (2):

Ambry Genetics
Classification: Uncertain significance for Hereditary cancer-predisposing syndrome. Last evaluated: 2025-11-02. Review status: criteria provided, single submitter. Criteria: Ambry Variant Classification Scheme 2023. Collection method: clinical testing. Allele origin: germline.

Labcorp Genetics (formerly Invitae), Labcorp
Classification: Uncertain significance. Last evaluated: 2022-08-16. Review status: criteria provided, single submitter. Criteria: Invitae Variant Classification Sherloc (09022015). Collection method: clinical testing. Allele origin: germline.
Comment: This sequence change replaces isoleucine, which is neutral and non-polar, with valine, which is neutral and non-polar, at codon 52 of the FH protein (p.Ile52Val). This variant is not present in population databases (gnomAD no frequency). This variant has not been reported in the literature in individuals affected with FH-related conditions. ClinVar contains an entry for this variant (Variation ID: 964063). Advanced modeling of protein sequence and biophysical properties (such as structural, functional, and spatial information, amino acid conservation, physicochemical variation, residue mobility, and thermodynamic stability) performed at Invitae indicates that this missense variant is not expected to disrupt FH protein function. Algorithms developed to predict the effect of sequence changes on RNA splicing suggest that this variant may create or strengthen a splice site. In summary, the available evidence is currently insufficient to determine the role of this variant in disease. Therefore, it has been classified as a Variant of Uncertain Significance.

NM_000143.4(FH):c.154A>G (p.Ile52Val)

Gene: FH (fumarate hydratase; minus strand). Cytogenetic location: 1q43.
Variant type: single nucleotide variant.
Coding change: c.154A>G on transcript NM_000143.4 (MANE Select); coding-DNA position 154, A replaced by G.
Protein change: p.Ile52Val; replaces isoleucine 52 with valine.
Molecular consequence: missense variant.
Genome position (GRCh38, 1-based): chr1:241,517,295, T>C on the plus strand (A>G on the coding strand, the complement: FH is on the minus strand). VCF-style: chr1-241517295-T-C. GRCh37 (hg19) VCF-style: chr1-241680595-T-C.
Other names: short protein forms I52V.
Identifiers: ClinVar variation 964063 (VCV000964063.9), dbSNP rs543844061, ClinGen allele CA345442002.